The following is an entry in ClinVar:

ClinVar aggregate classification (germline): Pathogenic (0 of 4 stars; one submission).

Conditions:
Congenital generalized lipodystrophy. Also called: Congenital generalized lipodystrophy (disease). Identifiers: MedGen C0221032, MONDO:0006536, HP:0009059.

Submission:

Department of Gastroenterology, HwaMei Hospital, University of Chinese Academy of Sciences
Classification: Pathogenic for Congenital generalized lipodystrophy. Last evaluated: 2021-12-27. Review status: no assertion criteria provided. Collection method: clinical testing. Allele origin: paternal. Inheritance: Autosomal recessive inheritance. Affected: no. Observed: 1 compound heterozygote.
Comment: AGPAT2 encode 1-acylglycerol-3-phosphate O-acyltransferase-2，which has a role in the synthesis of triglycerides by catalyzing the conversion of 1-acylglycerol-3-phosphate (lysophosphatidic acid) to 1,2-diacylglycerol-3-phosphate (phosphatidic acid) and was highly expressed in the adipose tissue. AGPAT2 is transmitted in an autosomal recessive mode.

Literature cited by the submitters: PubMed 24498038; PubMed 19226263.

NM_006412.4(AGPAT2):c.313A>G (p.Met105Val)

Gene: AGPAT2 (1-acylglycerol-3-phosphate O-acyltransferase 2; minus strand). Cytogenetic location: 9q34.3.
Variant type: single nucleotide variant.
Coding change: c.313A>G on transcript NM_006412.4 (MANE Select); coding-DNA position 313, A replaced by G.
Protein change: p.Met105Val; replaces methionine 105 with valine.
Molecular consequence: missense variant.
Genome position (GRCh38, 1-based): chr9:136,677,426, T>C on the plus strand (A>G on the coding strand, the complement: AGPAT2 is on the minus strand). VCF-style: chr9-136677426-T-C. GRCh37 (hg19) VCF-style: chr9-139571878-T-C.
Other names: c.313A>G, p.Met105Val (NM_001012727.2); short protein forms M105V.
Identifiers: ClinVar variation 1334446 (VCV001334446.2), dbSNP rs2119186288, ClinGen allele CA375583249.